The following is an entry in ClinVar:

ClinVar aggregate classification (germline): Uncertain significance (1 of 4 stars; one submission).

Submission:

Ambry Genetics
Classification: Uncertain significance. Last evaluated: 2025-09-07. Review status: criteria provided, single submitter. Criteria: Ambry Variant Classification Scheme 2023. Collection method: clinical testing. Allele origin: germline.
Comment: The p.Q247H variant (also known as c.741A>C), located in coding exon 7 of the SRP72 gene, results from an A to C substitution at nucleotide position 741. The glutamine at codon 247 is replaced by histidine, an amino acid with highly similar properties. This amino acid position is conserved. In addition, the in silico prediction for this alteration is inconclusive. Based on the available evidence, the clinical significance of this variant remains unclear.

NM_006947.4(SRP72):c.741A>C (p.Gln247His)

Gene: SRP72 (signal recognition particle 72; plus strand). Cytogenetic location: 4q12.
Variant type: single nucleotide variant.
Coding change: c.741A>C on transcript NM_006947.4 (MANE Select); coding-DNA position 741, A replaced by C.
Protein change: p.Gln247His; replaces glutamine 247 with histidine.
Molecular consequence: missense variant. On other transcripts: non-coding transcript variant (1), intron variant (1).
Genome position (GRCh38, 1-based): chr4:56,478,477, A>C. VCF-style: chr4-56478477-A-C. GRCh37 (hg19) VCF-style: chr4-57344643-A-C.
Other names: c.642+1775A>C (NM_001267722.2); short protein forms Q247H.
Identifiers: ClinVar variation 4174986 (VCV004174986.1).